The following is an entry in ClinVar:

NM_021625.5(TRPV4):c.152C>T (p.Pro51Leu)

Gene: TRPV4 (transient receptor potential cation channel subfamily V member 4; minus strand). Cytogenetic location: 12q24.11.
Variant type: single nucleotide variant.
Coding change: c.152C>T on transcript NM_021625.5 (MANE Select); coding-DNA position 152, C replaced by T.
Protein change: p.Pro51Leu; replaces proline 51 with leucine.
Molecular consequence: missense variant. On other transcripts: intron variant (1).
Genome position (GRCh38, 1-based): chr12:109,814,645, G>A on the plus strand (C>T on the coding strand, the complement: TRPV4 is on the minus strand). VCF-style: chr12-109814645-G-A. GRCh37 (hg19) VCF-style: chr12-110252450-G-A.
Other names: c.152C>T, p.Pro51Leu (NM_001177428.2, NM_001177433.2, NM_147204.3); c.80-30C>T (NM_001177431.1); short protein forms P51L.
Identifiers: ClinVar variation 215917 (VCV000215917.25), dbSNP rs115861965, ClinGen allele CA337661.

ClinVar aggregate classification (germline): Benign/Likely benign. Review status: criteria provided, multiple submitters, no conflicts (2 of 4 stars). 13 submissions from 8 submitters: Benign (8); Likely benign (5). Last evaluated 2025-12-20.

Conditions:
TRPV4-related disorder. Also called: TRPV4-related condition; TRPV4-related disorders.
Inborn genetic diseases. Identifiers: MedGen C0950123, MeSH D030342.
Brachyrachia (short spine dysplasia) (BCYM3). Also called: Brachyolmia, TRPV4-Related; Brachyolmia Type 3; BRACHYRACHIA; Autosomal dominant brachyolmia. Identifiers: Orphanet 93304, MedGen C0432227, MONDO:0007232, OMIM 113500.
Scapuloperoneal spinal muscular atrophy (SPSMA). Also called: Scapuloperoneal Spinal Muscular Atrophy, TRPV4-Related; AMYOTROPHY, NEUROGENIC SCAPULOPERONEAL, NEW ENGLAND TYPE; Scapuloperoneal Form of Spinal Muscular Atrophy; Scapuloperoneal spinal muscular atrophy, autosomal dominant. Identifiers: Orphanet 431255, MedGen C0751335, MONDO:0008408, OMIM 181405.
Metatropic dysplasia (MTD). Also called: Metatropic Dysplasia, TRPV4-Related; Metatropic dysplasia, nonlethal dominant; METATROPIC DWARFISM. Identifiers: Orphanet 2635, MedGen C0265281, MONDO:0007986, OMIM 156530.
Neuronopathy, distal hereditary motor, autosomal dominant 8. Also called: SPINAL MUSCULAR ATROPHY, CONGENITAL BENIGN, WITH CONTRACTURES; NEURONOPATHY, DISTAL HEREDITARY MOTOR, TYPE VIII; NEUROPATHY, DISTAL HEREDITARY MOTOR, TYPE VIII; Autosomal dominant congenital benign spinal muscular atrophy. Identifiers: Orphanet 1216, MedGen C1838492, MONDO:0010839, OMIM 600175.
Spondylometaphyseal dysplasia, Kozlowski type (SMDK). Also called: Spondylometaphyseal Dysplasia, TRPV4-Related (Kozlowski Type); Dysmorphism arthrogryposis skeletal maturation advanced; Jequier-Kozlowski syndrome; Skeletal dysplasia Jequier-Kozlowski type; SMD Kozlowski type. Identifiers: Orphanet 93314, MedGen C0265280, MONDO:0008477, OMIM 184252.
Charcot-Marie-Tooth disease axonal type 2C (HMSN2C). Also called: Charcot-Marie-Tooth Disease Type 2, TRPV4-Related (CMT2C); CHARCOT-MARIE-TOOTH DISEASE, AXONAL, AUTOSOMAL DOMINANT, TYPE 2C; Charcot-Marie-Tooth Neuropathy Type 2C. Identifiers: Orphanet 99937, MedGen C1853710, MONDO:0011633, OMIM 606071.

Allele frequency attached by ClinVar (database versions not stated): gnomAD exomes 0.00015 and 0.00009; ESP Exome Variant Server 0.00069; gnomAD 0.00043 and 0.00042; ExAC 0.00017; 1000 Genomes Project 0.00040; TOPMed 0.00046; 1000 Genomes Project 30x 0.00047.
gnomAD v4.1: 195 of 1,613,686 alleles (0.012%); highest among the groups gnomAD compares: African/African-American, 0.16%; no homozygotes.

Submissions (13):

Labcorp Genetics (formerly Invitae), Labcorp
Classification: Likely benign for Charcot-Marie-Tooth disease axonal type 2C. Last evaluated: 2025-12-20. Review status: criteria provided, single submitter. Criteria: Invitae Variant Classification Sherloc (09022015). Collection method: clinical testing. Allele origin: germline.

PreventionGenetics, part of Exact Sciences
Classification: Likely benign for TRPV4-related condition. Last evaluated: 2025-10-02. Review status: criteria provided, single submitter. Criteria: ACMG Guidelines, 2015. Collection method: clinical testing. Allele origin: germline.
Comment: This variant is classified as likely benign based on ACMG/AMP sequence variant interpretation guidelines (Richards et al. 2015 PMID: 25741868, with internal and published modifications).

Blueprint Genetics
Classification: Likely benign. Last evaluated: 2024-11-22. Review status: criteria provided, single submitter. Criteria: ACMG Guidelines, 2015. Collection method: clinical testing. Allele origin: germline.

GeneDx
Classification: Benign. Last evaluated: 2020-07-27. Review status: criteria provided, single submitter. Criteria: GeneDx Variant Classification Process June 2021. Collection method: clinical testing. Allele origin: germline. Affected: yes.

Ambry Genetics
Classification: Likely benign for Inborn genetic diseases. Last evaluated: 2020-04-27. Review status: criteria provided, single submitter. Criteria: Ambry Variant Classification Scheme 2023. Collection method: clinical testing. Allele origin: germline.

ARUP Laboratories, Molecular Genetics and Genomics, ARUP Laboratories
Classification: Benign. Last evaluated: 2019-02-24. Review status: criteria provided, single submitter. Criteria: ARUP Molecular Germline Variant Investigation Process. Collection method: clinical testing. Allele origin: germline.

Illumina Laboratory Services, Illumina
Classification: Likely benign for Charcot-Marie-Tooth disease axonal type 2C. Last evaluated: 2018-01-13. Review status: criteria provided, single submitter. Criteria: ICSL Variant Classification Criteria 13 December 2019. Collection method: clinical testing. Allele origin: germline.
Comment: This variant was observed in the ICSL laboratory as part of a predisposition screen in an ostensibly healthy population. It had not been previously curated by ICSL or reported in the Human Gene Mutation Database (HGMD: prior to June 1st, 2018), and was therefore a candidate for classification through an automated scoring system. Utilizing variant allele frequency, disease prevalence and penetrance estimates, and inheritance mode, an automated score was calculated to assess if this variant is too frequent to cause the disease. Based on the score and internal cut-off values, a variant classified as likely benign is not then subjected to further curation. The score for this variant resulted in a classification of likely benign for this disease.

Illumina Laboratory Services, Illumina
Classification: Benign for Scapuloperoneal spinal muscular atrophy. Last evaluated: 2018-01-13. Review status: criteria provided, single submitter. Criteria: ICSL Variant Classification Criteria 13 December 2019. Collection method: clinical testing. Allele origin: germline.
Comment: This variant was observed in the ICSL laboratory as part of a predisposition screen in an ostensibly healthy population. It had not been previously curated by ICSL or reported in the Human Gene Mutation Database (HGMD: prior to June 1st, 2018), and was therefore a candidate for classification through an automated scoring system. Utilizing variant allele frequency, disease prevalence and penetrance estimates, and inheritance mode, an automated score was calculated to assess if this variant is too frequent to cause the disease. Based on the score and internal cut-off values, a variant classified as benign is not then subjected to further curation. The score for this variant resulted in a classification of benign for this disease.

Illumina Laboratory Services, Illumina
Classification: Benign for Spondylometaphyseal dysplasia, Kozlowski type. Last evaluated: 2018-01-13. Review status: criteria provided, single submitter. Criteria: ICSL Variant Classification Criteria 13 December 2019. Collection method: clinical testing. Allele origin: germline.
Comment: the same text as in the submission from Illumina Laboratory Services, Illumina above.

Illumina Laboratory Services, Illumina
Classification: Benign for Brachyrachia (short spine dysplasia). Last evaluated: 2018-01-13. Review status: criteria provided, single submitter. Criteria: ICSL Variant Classification Criteria 13 December 2019. Collection method: clinical testing. Allele origin: germline.
Comment: the same text as in the submission from Illumina Laboratory Services, Illumina above.

Illumina Laboratory Services, Illumina
Classification: Benign for Neuronopathy, distal hereditary motor, autosomal dominant 8. Last evaluated: 2018-01-13. Review status: criteria provided, single submitter. Criteria: ICSL Variant Classification Criteria 13 December 2019. Collection method: clinical testing. Allele origin: germline.
Comment: the same text as in the submission from Illumina Laboratory Services, Illumina above.

Illumina Laboratory Services, Illumina
Classification: Benign for Metatropic dysplasia. Last evaluated: 2018-01-13. Review status: criteria provided, single submitter. Criteria: ICSL Variant Classification Criteria 13 December 2019. Collection method: clinical testing. Allele origin: germline.
Comment: the same text as in the submission from Illumina Laboratory Services, Illumina above.

Athena Diagnostics
Classification: Benign. Last evaluated: 2016-10-13. Review status: criteria provided, single submitter. Criteria: Athena Diagnostics Criteria. Collection method: clinical testing. Allele origin: germline.